The following is an entry in ClinVar:

ClinVar aggregate classification (germline): Uncertain significance (1 of 4 stars; one submission).

Conditions:
Cystic fibrosis (CF). Also called: MUCOVISCIDOSIS. Identifiers: Orphanet 586, MedGen C0010674, MONDO:0009061, OMIM 219700. Disease mechanism: loss of function.

Submission:

Institute of Human Genetics, University of Leipzig Medical Center
Classification: Uncertain significance for Cystic fibrosis. Last evaluated: 2025-12-23. Review status: criteria provided, single submitter. Criteria: ACMG Guidelines, 2015. Collection method: clinical testing. Allele origin: unknown. Inheritance: Autosomal recessive inheritance. Affected: yes.
Comment: Criteria applied: PM2

NM_000492.4(CFTR):c.3854_3855delinsAA (p.Ala1285Glu)

Genes: CFTR (CF transmembrane conductance regulator; plus strand), CFTR-AS2 (CFTR antisense RNA 2; minus strand). Cytogenetic location: 7q31.2.
Variant type: Indel.
Coding change: c.3854_3855delinsAA on transcript NM_000492.4 (MANE Select); coding-DNA positions 3854 to 3855, CC replaced by AA.
Protein change: p.Ala1285Glu; replaces alanine 1285 with glutamic acid.
Molecular consequence: missense variant.
Genome position (GRCh38, 1-based): chr7:117,642,574-117,642,575, CC replaced by AA. VCF-style: chr7-117642574-CC-AA. GRCh37 (hg19) VCF-style: chr7-117282628-CC-AA.
Other names: short protein forms A1285E.
Identifiers: ClinVar variation 4683093 (VCV004683093.1).